The following is an entry in ClinVar:

ClinVar aggregate classification (germline): Uncertain significance (1 of 4 stars; one submission).

Conditions:
Familial thoracic aortic aneurysm and aortic dissection (TAAD). Also called: Thoracic aortic aneurysms and dissections. Identifiers: Orphanet 91387, MedGen C4707243, MONDO:0019625.

Submission:

Labcorp Genetics (formerly Invitae), Labcorp
Classification: Uncertain significance for Familial thoracic aortic aneurysm and aortic dissection. Last evaluated: 2025-09-20. Review status: criteria provided, single submitter. Criteria: Invitae Variant Classification Sherloc (09022015). Collection method: clinical testing. Allele origin: germline.
Comment: This variant, c.1104_1106del, results in the deletion of 1 amino acid(s) of the SMAD3 protein (p.Met369del), but otherwise preserves the integrity of the reading frame. This variant is not present in population databases (gnomAD no frequency). This variant has not been reported in the literature in individuals affected with SMAD3-related conditions. Experimental studies and prediction algorithms are not available or were not evaluated, and the functional significance of this variant is currently unknown. In summary, the available evidence is currently insufficient to determine the role of this variant in disease. Therefore, it has been classified as a Variant of Uncertain Significance.

NM_005902.4(SMAD3):c.1104_1106del (p.Met369del)

Gene: SMAD3 (SMAD family member 3; plus strand). Cytogenetic location: 15q22.33.
Variant type: Deletion.
Coding change: c.1104_1106del on transcript NM_005902.4 (MANE Select); coding-DNA positions 1104 to 1106, 3 bases deleted (AAT; older notation c.1104_1106delAAT).
Protein change: p.Met369del; deletes methionine 369.
Molecular consequence: inframe deletion.
Genome position (GRCh38, 1-based): chr15:67,187,459-67,187,461, AAT deleted. VCF-style (leftmost placement, unchanged base first): chr15-67187458-GAAT-G. GRCh37 (hg19) VCF-style: chr15-67479796-GAAT-G.
Other names: c.789_791del, p.Met264del (NM_001145102.2, NM_001407016.1); c.972_974del, p.Met325del (NM_001145103.2, NM_001407012.1); c.519_521del, p.Met174del (NM_001145104.2, NM_001407017.1); c.1215_1217del, p.Met406del (NM_001407011.1); c.966_968del, p.Met323del (NM_001407013.1); c.957_959del, p.Met320del (NM_001407014.1); c.657_659del, p.Met220del (NM_001407015.1); short protein forms M264del, M320del, M323del, M174del, M220del, M369del, M406del, M325del.
Identifiers: ClinVar variation 4727516 (VCV004727516.1).